The following is an entry in ClinVar:

NM_144498.4(OSBPL2):c.751C>T (p.Gln251Ter)

Gene: OSBPL2 (oxysterol binding protein like 2; plus strand). Cytogenetic location: 20q13.33.
Variant type: single nucleotide variant.
Coding change: c.751C>T on transcript NM_144498.4 (MANE Select); coding-DNA position 751, C replaced by T.
Protein change: p.Gln251Ter; replaces glutamine 251 with a stop codon.
Molecular consequence: nonsense.
Genome position (GRCh38, 1-based): chr20:62,281,134, C>T. VCF-style: chr20-62281134-C-T. GRCh37 (hg19) VCF-style: chr20-60856190-C-T.
Other names: c.475C>T, p.Gln159Ter (NM_001278649.3, NM_001363878.2); c.715C>T, p.Gln239Ter (NM_014835.5); short protein forms Q159*, Q239*, Q251*.
Identifiers: ClinVar variation 3384443 (VCV003384443.2).
Genomic context (GRCh38, chr20:62,281,134, plus strand): 5'-ACCTGGACCAACCCCACCTGCTGCGTCCACAACGTCATCATCGGGAAGCTGTGGATAGAG[C>T]AGTATGGGACAGTGGAGATTTTAAACCACAGGTGACAGCACCCCACCGTTGGGTGAGAGC-3'

ClinVar aggregate classification (germline): Uncertain significance (1 of 4 stars; one submission).

Submission:

GeneDx
Classification: Uncertain significance. Last evaluated: 2026-08-19. Review status: criteria provided, single submitter. Criteria: GeneDx Variant Classification Process June 2021. Collection method: clinical testing. Allele origin: germline.
Comment: Not observed at significant frequency in large population cohorts (gnomAD); Nonsense variant predicted to result in protein truncation or nonsense mediated decay in a gene or region of a gene for which loss of function is not a well-established mechanism of disease; Has not been previously published as pathogenic or benign to our knowledge